The following is an entry in ClinVar:

ClinVar aggregate classification (germline): Uncertain significance (1 of 4 stars; one submission).

Submission:

GeneDx
Classification: Uncertain significance. Last evaluated: 2024-02-07. Review status: criteria provided, single submitter. Criteria: GeneDx Variant Classification Process June 2021. Collection method: clinical testing. Allele origin: germline. Affected: yes.
Comment: Not observed at significant frequency in large population cohorts (gnomAD); In silico analysis supports that this missense variant has a deleterious effect on protein structure/function; Has not been previously published as pathogenic or benign to our knowledge

NM_001366145.2(TRPM3):c.2422A>G (p.Met808Val)

Gene: TRPM3 (transient receptor potential cation channel subfamily M member 3; minus strand). Cytogenetic location: 9q21.12.
Variant type: single nucleotide variant.
Coding change: c.2422A>G on transcript NM_001366145.2 (MANE Select); coding-DNA position 2422, A replaced by G.
Protein change: p.Met808Val; replaces methionine 808 with valine.
Molecular consequence: missense variant.
Genome position (GRCh38, 1-based): chr9:70,616,012, T>C on the plus strand (A>G on the coding strand, the complement: TRPM3 is on the minus strand). VCF-style: chr9-70616012-T-C. GRCh37 (hg19) VCF-style: chr9-73230928-T-C.
Other names: c.2386A>G, p.Met796Val (NM_001007471.4, NM_001366151.2); c.2392A>G, p.Met798Val (NM_001366141.2, NM_001366143.2, NM_001366149.2); c.2428A>G, p.Met810Val (NM_001366142.2); c.2422A>G, p.Met808Val (NM_001366146.2); c.2497A>G, p.Met833Val (NM_001366147.2, NM_001366152.2); c.2467A>G, p.Met823Val (NM_001366148.2); c.2356A>G, p.Met786Val (NM_001366150.2); c.1963A>G, p.Met655Val (NM_001366154.2, NM_024971.7); and 5 more; short protein forms M633V, M643V, M645V, M655V, M658V, M668V, M786V, M796V.
Identifiers: ClinVar variation 3368992 (VCV003368992.1).